The following is an entry in ClinVar:

NM_000273.3(GPR143):c.398G>A (p.Trp133Ter)

Gene: GPR143 (G protein-coupled receptor 143; minus strand). Cytogenetic location: Xp22.2.
Variant type: single nucleotide variant.
Coding change: c.398G>A on transcript NM_000273.3 (MANE Select); coding-DNA position 398, G replaced by A.
Protein change: p.Trp133Ter; replaces tryptophan 133 with a stop codon.
Molecular consequence: nonsense.
Genome position (GRCh38, 1-based): chrX:9,759,389, C>T on the plus strand (G>A on the coding strand, the complement: GPR143 is on the minus strand). VCF-style: chrX-9759389-C-T. GRCh37 (hg19) VCF-style: chrX-9727429-C-T.
Other names: short protein forms W133*.
Identifiers: ClinVar variation 2413227 (VCV002413227.6), dbSNP rs2083486427, ClinGen allele CA411998924.
Genomic context (GRCh38, chrX:9,759,389, plus strand): 5'-TACCTCAGTCCTGCCGATCTCCGGATCACCAGATAAGCATCCACTGCATAGCAAAACAGC[C>T]ACCAGAAGCAGGCACTGTACAACAGCTGGATCCACATCTGCAATCGGGAAGAGCCTGCAT-3'

ClinVar aggregate classification (germline): Pathogenic (1 of 4 stars; one submission).

Allele frequency attached by ClinVar (database versions not stated): TOPMed below 0.00001.

Submission:

Labcorp Genetics (formerly Invitae), Labcorp
Classification: Pathogenic. Last evaluated: 2023-11-07. Review status: criteria provided, single submitter. Criteria: Invitae Variant Classification Sherloc (09022015). Collection method: clinical testing. Allele origin: germline.
Comment: This sequence change creates a premature translational stop signal (p.Trp133*) in the GPR143 gene. It is expected to result in an absent or disrupted protein product. Loss-of-function variants in GPR143 are known to be pathogenic (PMID: 15965158, 18978956, 19390656, 21541274, 26160353, 28211458). This variant is not present in population databases (gnomAD no frequency). This variant has not been reported in the literature in individuals affected with GPR143-related conditions. ClinVar contains an entry for this variant (Variation ID: 2413227). Algorithms developed to predict the effect of sequence changes on RNA splicing suggest that this variant may disrupt the consensus splice site. For these reasons, this variant has been classified as Pathogenic.

Literature cited by the submitters: PubMed 15965158; PubMed 18978956; PubMed 19390656; PubMed 21541274; PubMed 26160353; PubMed 28211458.